The following is an entry in ClinVar:

ClinVar aggregate classification (germline): Likely benign. Review status: criteria provided, multiple submitters, no conflicts (2 of 4 stars). 3 submissions from 3 submitters: Likely benign (2). 1 of the submissions does not count toward it. Last evaluated 2026-01-26.

Conditions:
MYH7B-related disorder. Also called: MYH7B-related condition.

Allele frequency attached by ClinVar (database versions not stated): 1000 Genomes Project 0.00100; 1000 Genomes Project 30x 0.00109; TOPMed 0.00217; gnomAD exomes 0.00281 and 0.00363; gnomAD 0.00292 and 0.00308; ExAC 0.00319; ESP Exome Variant Server 0.00362.
gnomAD v4.1: 5,709 of 1,613,790 alleles (0.35%); highest among the groups gnomAD compares: Non-Finnish European, 0.41%; 18 homozygotes.

Submissions (3):

Labcorp Genetics (formerly Invitae), Labcorp
Classification: Likely benign. Last evaluated: 2026-01-26. Review status: criteria provided, single submitter. Criteria: Invitae Variant Classification Sherloc (09022015). Collection method: clinical testing. Allele origin: germline.

Breakthrough Genomics
Classification: Likely benign. Review status: criteria provided, single submitter. Criteria: ACMG Guidelines, 2015. Collection method: not provided. Allele origin: germline. Inheritance: Unknown mechanism. Affected: yes.

PreventionGenetics, part of Exact Sciences
Classification: Benign for MYH7B-related condition. Last evaluated: 2019-07-17. Review status: no assertion criteria provided. Collection method: clinical testing. Allele origin: germline. Not counted in ClinVar's aggregate classification.
Comment: This variant is classified as benign based on ACMG/AMP sequence variant interpretation guidelines (Richards et al. 2015 PMID: 25741868, with internal and published modifications).

NM_020884.7(MYH7B):c.2351G>A (p.Arg784His)

Gene: MYH7B (myosin heavy chain 7B; plus strand). Cytogenetic location: 20q11.22.
Variant type: single nucleotide variant.
Coding change: c.2351G>A on transcript NM_020884.7 (MANE Select); coding-DNA position 2351, G replaced by A.
Protein change: p.Arg784His; replaces arginine 784 with histidine.
Molecular consequence: missense variant.
Genome position (GRCh38, 1-based): chr20:34,993,377, G>A. VCF-style: chr20-34993377-G-A. GRCh37 (hg19) VCF-style: chr20-33581180-G-A.
Other names: short protein forms R784H.
Identifiers: ClinVar variation 790437 (VCV000790437.12), dbSNP rs187028260, ClinGen allele CA9827340.